The following is an entry in ClinVar:

NM_013447.4(ADGRE2):c.830C>A (p.Thr277Lys)

Gene: ADGRE2 (adhesion G protein-coupled receptor E2; minus strand). Cytogenetic location: 19p13.12.
Variant type: single nucleotide variant.
Coding change: c.830C>A on transcript NM_013447.4 (MANE Select); coding-DNA position 830, C replaced by A.
Protein change: p.Thr277Lys; replaces threonine 277 with lysine.
Molecular consequence: missense variant.
Genome position (GRCh38, 1-based): chr19:14,765,396, G>T on the plus strand (C>A on the coding strand, the complement: ADGRE2 is on the minus strand). VCF-style: chr19-14765396-G-T. GRCh37 (hg19) VCF-style: chr19-14876208-G-T.
Other names: c.830C>A, p.Thr277Lys (NM_001271052.1); c.683C>A, p.Thr228Lys (NM_152916.2); c.551C>A, p.Thr184Lys (NM_152917.2); c.830C>A (NM_013447.2); short protein forms T228K, T277K, T184K.
Identifiers: ClinVar variation 2067235 (VCV002067235.8), dbSNP rs757107458, ClinGen allele CA9257878.
Genomic context (GRCh38, chr19:14,765,396, plus strand): 5'-GCCAAGCCTGGCTTGTAGTCTCTGCCCAGGTCCTGGACTTTGTCGAAGAATCGGGAAAGC[G>T]TCTGCAGAGAGAGGAGATGTGGGGGTCAGAGAGCCTGGACGGCGGGTGGGAAGTTTAGAA-3'
Protein context (NP_038475.2, residues 267-287): WTPPPGVHSQ[Thr277Lys]LSRFFDKVQD

ClinVar aggregate classification (germline): Uncertain significance. Review status: criteria provided, multiple submitters, no conflicts (2 of 4 stars). 3 submissions from 3 submitters: Uncertain significance (3). Last evaluated 2026-01-27.

Conditions:
Autosomal dominant vibratory urticaria. Identifiers: Orphanet 493342, MedGen CN313132, MONDO:0007447.

gnomAD v4.1: 67 of 1,614,072 alleles (0.0042%); highest among the groups gnomAD compares: Middle Eastern, 0.33%; 1 homozygote.

Submissions (4):

Labcorp Genetics (formerly Invitae), Labcorp
Classification: Uncertain significance. Last evaluated: 2026-01-27. Review status: criteria provided, single submitter. Criteria: Invitae Variant Classification Sherloc (09022015). Collection method: clinical testing. Allele origin: germline.
Comment: This sequence change replaces threonine, which is neutral and polar, with lysine, which is basic and polar, at codon 277 of the ADGRE2 protein (p.Thr277Lys). This variant is present in population databases (rs757107458, gnomAD 0.004%). This variant has not been reported in the literature in individuals affected with ADGRE2-related conditions. ClinVar contains an entry for this variant (Variation ID: 2067235). An algorithm developed to predict the effect of missense changes on protein structure and function (PolyPhen-2) suggests that this variant is likely to be tolerated. In summary, the available evidence is currently insufficient to determine the role of this variant in disease. Therefore, it has been classified as a Variant of Uncertain Significance.

Ambry Genetics
Classification: Uncertain significance. Last evaluated: 2023-09-13. Review status: criteria provided, single submitter. Criteria: Ambry Variant Classification Scheme 2023. Collection method: clinical testing. Allele origin: germline.

Department of Pathology and Laboratory Medicine, Sinai Health System
Classification: Uncertain significance for autosomal dominant vibratory urticaria. Last evaluated: 2021-11-08. Review status: criteria provided, single submitter. Criteria: ACMG Guidelines, 2015. Collection method: research. Allele origin: germline.

Dr. Peter K. Rogan Lab, Western University
No classification provided (evidence only). Condition: Malignant tumor of esophagus. Review status: no classification provided. Collection method: in vitro. Allele origin: not applicable. Functional consequence: retained intron. Not counted in ClinVar's aggregate classification.